The following is an entry in ClinVar:

ClinVar aggregate classification (germline): Uncertain significance (1 of 4 stars; one submission).

Conditions:
SH2B1-related disorder. Also called: SH2B1-related condition.

gnomAD v4.1: 4 of 1,602,238 alleles (0.00025%); highest among the groups gnomAD compares: Non-Finnish European, 0.00034%; no homozygotes.

Submission:

PreventionGenetics, part of Exact Sciences
Classification: Uncertain significance for SH2B1-related condition. Last evaluated: 2026-04-23. Review status: criteria provided, single submitter. Criteria: ACMG Guidelines, 2015. Collection method: clinical testing. Allele origin: germline.
Comment: The SH2B1 c.1939G>A variant is predicted to result in the amino acid substitution p.Asp647Asn. To our knowledge, this variant has not been reported in the literature. This variant is reported in 0.00093% of alleles in individuals of European (Non-Finnish) descent in gnomAD. At this time, the clinical significance of this variant is uncertain due to the absence of conclusive functional and genetic evidence.

NM_001387430.1(SH2B1):c.1898-236G>A

Gene: SH2B1 (SH2B adaptor protein 1; plus strand). Cytogenetic location: 16p11.2.
Variant type: single nucleotide variant.
Coding change: c.1898-236G>A on transcript NM_001387430.1 (MANE Select); 236 bases into the intron before coding-DNA position 1898, G replaced by A.
Molecular consequence: intron variant. On other transcripts: missense variant (4), synonymous variant (1).
Genome position (GRCh38, 1-based): chr16:28,873,211, G>A. VCF-style: chr16-28873211-G-A. GRCh37 (hg19) VCF-style: chr16-28884532-G-A.
Other names: c.1939G>A, p.Asp647Asn (NM_001145796.2, NM_001145812.2, NM_015503.3); c.1992G>A, p.Glu664= (NM_001145797.2); c.931G>A, p.Asp311Asn (NM_001308294.2); c.1898-236G>A (NM_001308293.2, NM_001387404.1, NM_001145795.2); short protein forms D311N, D647N.
Identifiers: ClinVar variation 4988832 (VCV004988832.1).
Genomic context (GRCh38, chr16:28,873,211, plus strand): 5'-ACGTTGCCCCTCCCCCCAGGCCGGGAGCAGGCTGGGAGCCATGCGGGGGTGTGCGAGGGA[G>A]ATGGATGCCACCCCGATGCCTCCTGCACCCTCATGCCCTTCGGAGCGAGTGACTGTGTGT-3'